The following is an entry in ClinVar:

ClinVar aggregate classification (germline): Uncertain significance. Review status: criteria provided, multiple submitters, no conflicts (2 of 4 stars). 2 submissions from 2 submitters: Uncertain significance (2). Last evaluated 2025-06-18.

Conditions:
Inborn genetic diseases. Identifiers: MedGen C0950123, MeSH D030342.
Autosomal recessive spinocerebellar ataxia 18. Identifiers: Orphanet 363432, MedGen C4015505, MONDO:0014530, OMIM 616204.

Allele frequency attached by ClinVar (database versions not stated): gnomAD exomes 0.00004; gnomAD 0.00001; ExAC 0.00003; TOPMed 0.00001.
gnomAD v4.1: 31 of 1,613,184 alleles (0.0019%); highest among the groups gnomAD compares: East Asian, 0.025%; no homozygotes.

Submissions (2):

3billion
Classification: Uncertain significance for Autosomal recessive spinocerebellar ataxia 18. Last evaluated: 2025-06-18. Review status: criteria provided, single submitter. Criteria: ACMG Guidelines, 2015. Collection method: clinical testing. Allele origin: germline. Affected: yes.
Comment: The variant is observed at an extremely low frequency in the gnomAD v4.1.0 dataset (total allele frequency: 0.002%). Predicted Consequence/Location: Missense variant In silico tool predictions suggest damaging effect of the variant on gene or gene product [3Cnet: 0.79 (> 0.75, sensitivity 0.96 and precision 0.92)]. The variant has been reported as of uncertain significance (ClinVar ID: VCV000522090). Therefore, this variant is classified as VUS according to the recommendation of ACMG/AMP guideline.

Ambry Genetics
Classification: Uncertain significance for Inborn genetic diseases. Last evaluated: 2017-09-27. Review status: criteria provided, single submitter. Criteria: Ambry exome assertion method (8-5-2015). Collection method: clinical testing. Allele origin: germline. Affected: yes. Observed: 1 variant allele.

NM_001510.4(GRID2):c.1419T>A (p.Asp473Glu)

Gene: GRID2 (glutamate ionotropic receptor delta type subunit 2; plus strand). Cytogenetic location: 4q22.2.
Variant type: single nucleotide variant.
Coding change: c.1419T>A on transcript NM_001510.4 (MANE Select); coding-DNA position 1419, T replaced by A.
Protein change: p.Asp473Glu; replaces aspartic acid 473 with glutamic acid.
Molecular consequence: missense variant.
Genome position (GRCh38, 1-based): chr4:93,422,842, T>A. VCF-style: chr4-93422842-T-A. GRCh37 (hg19) VCF-style: chr4-94343993-T-A.
Other names: c.1134T>A, p.Asp378Glu (NM_001286838.1); short protein forms D473E, D378E.
Identifiers: ClinVar variation 522090 (VCV000522090.5), dbSNP rs377552413, ClinGen allele CA3012284.